The following is an entry in ClinVar:

ClinVar aggregate classification (germline): Pathogenic/Likely pathogenic. Review status: criteria provided, multiple submitters, no conflicts (2 of 4 stars). 2 submissions from 2 submitters: Pathogenic (1); Likely pathogenic (1). Last evaluated 2024-11-06.

Conditions:
Hypoparathyroidism-retardation-dysmorphism syndrome (HRDS). Also called: SANJAD-SAKATI SYNDROME. Identifiers: Orphanet 2323, MedGen C1855840, MONDO:0009426, OMIM 241410.
Autosomal recessive Kenny-Caffey syndrome (KCS1). Identifiers: Orphanet 2333, Orphanet 93324, MedGen C1855648, MONDO:0009486, OMIM 244460.

Submissions (2):

3billion
Classification: Pathogenic for Hypoparathyroidism-retardation-dysmorphism syndrome. Last evaluated: 2024-11-06. Review status: criteria provided, single submitter. Criteria: ACMG Guidelines, 2015. Collection method: clinical testing. Allele origin: germline. Affected: yes.
Comment: The variant is not observed in the gnomAD v4.1.0 dataset. Predicted Consequence/Location: Frameshift: predicted to result in a loss or disruption of normal protein function through nonsense-mediated decay (NMD) or protein truncation. Multiple pathogenic variants are reported downstream of the variant. The variant has been reported to be associated with TBCE related disorder (ClinVar ID: VCV000804381). Therefore, this variant is classified as Pathogenic according to the recommendation of ACMG/AMP guideline.

Hadassah Hebrew University Medical Center
Classification: Likely pathogenic for Hypoparathyroidism-retardation-dysmorphism syndrome; Autosomal recessive Kenny-Caffey syndrome. Last evaluated: 2019-06-20. Review status: criteria provided, single submitter. Criteria: ACMG Guidelines, 2015. Collection method: clinical testing. Allele origin: germline. Inheritance: Autosomal recessive inheritance. Affected: yes.

NM_003193.5(TBCE):c.355_356del (p.Ile119fs)

Gene: TBCE (tubulin folding cofactor E; plus strand). Cytogenetic location: 1q42.3.
Variant type: Deletion.
Coding change: c.355_356del on transcript NM_003193.5 (MANE Select); coding-DNA positions 355 to 356, 2 bases deleted (AT; older notation c.355_356delAT).
Protein change: p.Ile119fs; shifts the reading frame from isoleucine 119.
Molecular consequence: frameshift variant. On other transcripts: 5 prime UTR variant (1).
Genome position (GRCh38, 1-based): chr1:235,414,602-235,414,603, AT deleted; deleting any 2 consecutive bases within chr1:235,414,601-235,414,603 gives the same sequence; the c. name uses the placement nearest the transcript's 3' end. VCF-style (leftmost placement, unchanged base first): chr1-235414600-CTA-C. GRCh37 (hg19) VCF-style: chr1-235577915-CTA-C.
Other names: c.355_356del, p.Ile119fs (NM_001079515.3, NM_001287801.2); c.-41_-40del (NM_001287802.2); short protein forms I119fs.
Identifiers: ClinVar variation 804381 (VCV000804381.3), dbSNP rs1572391840, ClinGen allele CA915942055.
Genomic context (GRCh38, chr1:235,414,600, plus strand): 5'-ATAGAAAAGAGCAAATTGTTACAATTGGAAATAAACCTGTGGAGACTATCGGTTTTGACT[CTA>C]TTATGAAACAGCAAAGGTAAGTGGAGTTTATAACGGCAGAGCTGACTTTTATGGTTTTAT-3'